The following is an entry in ClinVar:

NR_002757.3(RNU5B-1):n.43dup

Genes: RNU5B-1 (RNA, U5B small nuclear 1; plus strand), LOC130057317 (ATAC-STARR-seq lymphoblastoid silent region 6555; plus strand). Cytogenetic location: 15q22.31.
Variant type: Duplication.
Molecular consequence: non-coding transcript variant (on NR_002757.3).
Genome position: GRCh38 VCF-style: chr15-65304715-C-CT. GRCh37 (hg19) VCF-style: chr15-65597053-C-CT.
Identifiers: ClinVar variation 3770164 (VCV003770164.1).

ClinVar aggregate classification (germline): Uncertain significance (1 of 4 stars; one submission).

Submission:

Institute for Human Genetics, University Hospital Essen
Classification: Uncertain significance. Last evaluated: 2005-03-05. Review status: criteria provided, single submitter. Criteria: ACMG Guidelines, 2015. Collection method: clinical testing. Allele origin: unknown. Affected: yes.
Comment: PM2_supp